The following is an entry in ClinVar:

ClinVar aggregate classification (germline): Uncertain significance (1 of 4 stars; one submission).

Conditions:
Cataract 21 multiple types. Also called: CATARACT 21, MULTIPLE TYPES, WITH OR WITHOUT MICROCORNEA; CATARACT 21, CERULEAN, WITH OR WITHOUT MICROCORNEA; CATARACT 21, MULTIPLE TYPES, WITH MICROCORNEA; Cataract, congenital, cerulean type, 4. Identifiers: Orphanet 91492, MedGen C1857768, MONDO:0012437, OMIM 610202.
Ayme-Gripp syndrome. Also called: Aymé-Gripp Syndrome. Identifiers: MedGen C1832812, MONDO:0010992, OMIM 601088.

gnomAD v4.1: 16 of 978,102 alleles (0.0016%); highest among the groups gnomAD compares: Non-Finnish European, 0.0019%; no homozygotes.

Submission:

Labcorp Genetics (formerly Invitae), Labcorp
Classification: Uncertain significance for Cataract 21 multiple types; Ayme-Gripp syndrome. Last evaluated: 2024-12-16. Review status: criteria provided, single submitter. Criteria: Invitae Variant Classification Sherloc (09022015). Collection method: clinical testing. Allele origin: germline.
Comment: This sequence change replaces alanine, which is neutral and non-polar, with glycine, which is neutral and non-polar, at codon 216 of the MAF protein (p.Ala216Gly). The frequency data for this variant in the population databases is considered unreliable, as metrics indicate insufficient coverage at this position in the gnomAD database. This variant has not been reported in the literature in individuals affected with MAF-related conditions. Invitae Evidence Modeling of protein sequence and biophysical properties (such as structural, functional, and spatial information, amino acid conservation, physicochemical variation, residue mobility, and thermodynamic stability) indicates that this missense variant is not expected to disrupt MAF protein function with a negative predictive value of 80%. In summary, the available evidence is currently insufficient to determine the role of this variant in disease. Therefore, it has been classified as a Variant of Uncertain Significance.

NM_005360.5(MAF):c.647C>G (p.Ala216Gly)

Gene: MAF (MAF bZIP transcription factor; minus strand). Cytogenetic location: 16q23.2.
Variant type: single nucleotide variant.
Coding change: c.647C>G on transcript NM_005360.5 (MANE Select); coding-DNA position 647, C replaced by G.
Protein change: p.Ala216Gly; replaces alanine 216 with glycine.
Molecular consequence: missense variant.
Genome position (GRCh38, 1-based): chr16:79,599,256, G>C on the plus strand (C>G on the coding strand, the complement: MAF is on the minus strand). VCF-style: chr16-79599256-G-C. GRCh37 (hg19) VCF-style: chr16-79633153-G-C.
Other names: c.647C>G, p.Ala216Gly (NM_001031804.3); short protein forms A216G.
Identifiers: ClinVar variation 3753252 (VCV003753252.2).